The following is an entry in ClinVar:

ClinVar aggregate classification (germline): Uncertain significance (1 of 4 stars; one submission).

Conditions:
Hereditary cancer-predisposing syndrome. Also called: Neoplastic Syndromes, Hereditary; Tumor predisposition; Hereditary Cancer Syndrome; Hereditary neoplastic syndrome. Identifiers: Orphanet 140162, MedGen C0027672, MeSH D009386, MONDO:0015356.

Submission:

Ambry Genetics
Classification: Uncertain significance for Hereditary cancer-predisposing syndrome. Last evaluated: 2025-09-25. Review status: criteria provided, single submitter. Criteria: Ambry Variant Classification Scheme 2023. Collection method: clinical testing. Allele origin: germline.
Comment: The p.A29G variant (also known as c.86C>G), located in coding exon 1 of the ALK gene, results from a C to G substitution at nucleotide position 86. The alanine at codon 29 is replaced by glycine, an amino acid with similar properties. This amino acid position is conserved. In addition, this alteration is predicted to be tolerated by in silico analysis. Based on the available evidence, the clinical significance of this variant remains unclear.

NM_004304.5(ALK):c.86C>G (p.Ala29Gly)

Gene: ALK (ALK receptor tyrosine kinase; minus strand). Cytogenetic location: 2p23.1.
Variant type: single nucleotide variant.
Coding change: c.86C>G on transcript NM_004304.5 (MANE Select); coding-DNA position 86, C replaced by G.
Protein change: p.Ala29Gly; replaces alanine 29 with glycine.
Molecular consequence: missense variant.
Genome position (GRCh38, 1-based): chr2:29,920,574, G>C on the plus strand (C>G on the coding strand, the complement: ALK is on the minus strand). VCF-style: chr2-29920574-G-C. GRCh37 (hg19) VCF-style: chr2-30143440-G-C.
Other names: short protein forms A29G.
Identifiers: ClinVar variation 4672023 (VCV004672023.1).